The following is an entry in ClinVar:

NM_014908.4(DOLK):c.702G>A (p.Met234Ile)

Gene: DOLK (dolichol kinase; minus strand). Cytogenetic location: 9q34.11.
Variant type: single nucleotide variant.
Coding change: c.702G>A on transcript NM_014908.4 (MANE Select); coding-DNA position 702, G replaced by A.
Protein change: p.Met234Ile; replaces methionine 234 with isoleucine.
Molecular consequence: missense variant.
Genome position (GRCh38, 1-based): chr9:128,946,602, C>T on the plus strand (G>A on the coding strand, the complement: DOLK is on the minus strand). VCF-style: chr9-128946602-C-T. GRCh37 (hg19) VCF-style: chr9-131708881-C-T.
Other names: short protein forms M234I.
Identifiers: ClinVar variation 1899998 (VCV001899998.5), dbSNP rs746656818, ClinGen allele CA375123487.
Genomic context (GRCh38, chr9:128,946,602, plus strand): 5'-GGCCCAGGTGCCTGAGTCCATGAAGACAAACAGAGTGCTGAAGAAAATGCCCATGAGTAC[C>T]ATCCCTACTACCACCACCAGCAGGAAGAAGTCCACTGGGTCCCCCTGACTTTCCACCAGT-3'
Protein context (NP_055723.1, residues 224-244): DFFLLVVVVG[Met234Ile]VLMGIFFSTL

ClinVar aggregate classification (germline): Uncertain significance (1 of 4 stars; one submission).

Conditions:
DK1-congenital disorder of glycosylation. Also called: CONGENITAL DISORDER OF GLYCOSYLATION, TYPE Im; CDG Im; DK1 DEFICIENCY; DOLICHOL KINASE DEFICIENCY; DOLK-congenital disorder of glycosylation; Carbohydrate deficient glycoprotein syndrome type 1m. Identifiers: Orphanet 91131, MedGen C1835849, MONDO:0012556, OMIM 610768.

Submission:

Labcorp Genetics (formerly Invitae), Labcorp
Classification: Uncertain significance for DK1-congenital disorder of glycosylation. Last evaluated: 2022-06-10. Review status: criteria provided, single submitter. Criteria: Invitae Variant Classification Sherloc (09022015). Collection method: clinical testing. Allele origin: germline.
Comment: In summary, the available evidence is currently insufficient to determine the role of this variant in disease. Therefore, it has been classified as a Variant of Uncertain Significance. Algorithms developed to predict the effect of missense changes on protein structure and function (SIFT, PolyPhen-2, Align-GVGD) all suggest that this variant is likely to be tolerated. This variant has not been reported in the literature in individuals affected with DOLK-related conditions. This variant is not present in population databases (gnomAD no frequency). This sequence change replaces methionine, which is neutral and non-polar, with isoleucine, which is neutral and non-polar, at codon 234 of the DOLK protein (p.Met234Ile).